The following is an entry in ClinVar:

NM_000264.5(PTCH1):c.1882C>T (p.Gln628Ter)

Genes: PTCH1 (patched 1; minus strand), LOC100507346 (uncharacterized LOC100507346; plus strand). Cytogenetic location: 9q22.32.
Variant type: single nucleotide variant.
Coding change: c.1882C>T on transcript NM_000264.5 (MANE Select); coding-DNA position 1882, C replaced by T.
Protein change: p.Gln628Ter; replaces glutamine 628 with a stop codon.
Molecular consequence: nonsense. On other transcripts: non-coding transcript variant (2).
Genome position (GRCh38, 1-based): chr9:95,469,119, G>A on the plus strand (C>T on the coding strand, the complement: PTCH1 is on the minus strand). VCF-style: chr9-95469119-G-A. GRCh37 (hg19) VCF-style: chr9-98231401-G-A.
Other names: c.1684C>T, p.Gln562Ter (NM_001083602.3); c.1879C>T, p.Gln627Ter (NM_001083603.3); c.1429C>T, p.Gln477Ter (NM_001083604.3, NM_001083605.3, NM_001083606.3 and 1 more transcripts); c.1726C>T, p.Gln576Ter (NM_001354918.2); short protein forms Q628*, Q562*, Q477*, Q627*, Q576*.
Identifiers: ClinVar variation 409151 (VCV000409151.9), dbSNP rs1060502274, ClinGen allele CA16612768.

ClinVar aggregate classification (germline): Pathogenic (1 of 4 stars; one submission).

Conditions:
Gorlin syndrome. Also called: Nevoid Basal Cell Carcinoma Syndrome; Basal cell nevus syndrome. Identifiers: Orphanet 377, MedGen C0004779, MONDO:0007187.

Submission:

Labcorp Genetics (formerly Invitae), Labcorp
Classification: Pathogenic for Gorlin syndrome. Last evaluated: 2016-05-14. Review status: criteria provided, single submitter. Criteria: Invitae Variant Classification Sherloc (09022015). Collection method: clinical testing. Allele origin: germline.
Comment: While this particular variant has not been reported in the literature, truncating variants in PTCH1 are known to be pathogenic (PMID: 16301862, 16419085). For these reasons, this variant has been classified as Pathogenic. This sequence change creates a premature translational stop signal at codon 628 (p.Gln628*) of the PTCH1 gene. It is expected to result in an absent or disrupted protein product.

Literature cited by the submitters: PubMed 16301862; PubMed 16419085.